The following is an entry in ClinVar:

NM_017649.5(CNNM2):c.113G>A (p.Arg38Gln)

Gene: CNNM2 (cyclin and CBS domain divalent metal cation transport mediator 2; plus strand). Cytogenetic location: 10q24.32.
Variant type: single nucleotide variant.
Coding change: c.113G>A on transcript NM_017649.5 (MANE Select); coding-DNA position 113, G replaced by A.
Protein change: p.Arg38Gln; replaces arginine 38 with glutamine.
Molecular consequence: missense variant.
Genome position (GRCh38, 1-based): chr10:102,918,593, G>A. VCF-style: chr10-102918593-G-A. GRCh37 (hg19) VCF-style: chr10-104678350-G-A.
Other names: c.113G>A, p.Arg38Gln (NM_199076.3, NM_199077.3); short protein forms R38Q.
Identifiers: ClinVar variation 298635 (VCV000298635.18), dbSNP rs76057237, ClinGen allele CA5670227.

ClinVar aggregate classification (germline): Benign. Review status: criteria provided, multiple submitters, no conflicts (2 of 4 stars). 6 submissions from 6 submitters: Benign (6). Last evaluated 2026-05-05.

Conditions:
Renal hypomagnesemia 6. Identifiers: Orphanet 34527, MedGen C3151295, MONDO:0013480, OMIM 613882.

Allele frequency attached by ClinVar (database versions not stated): TOPMed 0.04565; gnomAD 0.04782 and 0.05045; ExAC 0.05931; 1000 Genomes Project 30x 0.03092; 1000 Genomes Project 0.03195; ESP Exome Variant Server 0.04262.
gnomAD v4.1: 78,531 of 1,564,724 alleles (5%); highest among the groups gnomAD compares: Non-Finnish European, 5.6%; 2,194 homozygotes.

Submissions (6):

Revvity Omics, Revvity
Classification: Benign. Last evaluated: 2026-05-05. Review status: criteria provided, single submitter. Criteria: ACMG Guidelines, 2015. Collection method: clinical testing. Allele origin: germline.

Labcorp Genetics (formerly Invitae), Labcorp
Classification: Benign. Last evaluated: 2026-02-03. Review status: criteria provided, single submitter. Criteria: Invitae Variant Classification Sherloc (09022015). Collection method: clinical testing. Allele origin: germline.

Mayo Clinic Laboratories, Mayo Clinic
Classification: Benign. Last evaluated: 2022-03-09. Review status: criteria provided, single submitter. Criteria: ACMG Guidelines, 2015. Collection method: clinical testing. Allele origin: germline. Observed: 10 variant alleles.

GeneDx
Classification: Benign. Last evaluated: 2018-11-10. Review status: criteria provided, single submitter. Criteria: GeneDx Variant Classification Process June 2021. Collection method: clinical testing. Allele origin: germline. Affected: yes.

Illumina Laboratory Services, Illumina
Classification: Benign for Renal hypomagnesemia 6. Last evaluated: 2018-01-12. Review status: criteria provided, single submitter. Criteria: ICSL Variant Classification Criteria 13 December 2019. Collection method: clinical testing. Allele origin: germline.
Comment: This variant was observed in the ICSL laboratory as part of a predisposition screen in an ostensibly healthy population. It had not been previously curated by ICSL or reported in the Human Gene Mutation Database (HGMD: prior to June 1st, 2018), and was therefore a candidate for classification through an automated scoring system. Utilizing variant allele frequency, disease prevalence and penetrance estimates, and inheritance mode, an automated score was calculated to assess if this variant is too frequent to cause the disease. Based on the score and internal cut-off values, a variant classified as benign is not then subjected to further curation. The score for this variant resulted in a classification of benign for this disease.

Breakthrough Genomics
Classification: Benign. Review status: criteria provided, single submitter. Criteria: ACMG Guidelines, 2015. Collection method: not provided. Allele origin: germline. Inheritance: Autosomal dominant inheritance. Affected: yes.